The following is an entry in ClinVar:

NM_000540.3(RYR1):c.8703C>T (p.Thr2901=)

Gene: RYR1 (ryanodine receptor 1; plus strand). Cytogenetic location: 19q13.2.
Variant type: single nucleotide variant.
Coding change: c.8703C>T on transcript NM_000540.3 (MANE Select); coding-DNA position 8703, C replaced by T.
Protein change: p.Thr2901=; no amino-acid change (threonine 2901 retained).
Molecular consequence: synonymous variant.
Genome position (GRCh38, 1-based): chr19:38,506,839, C>T. VCF-style: chr19-38506839-C-T. GRCh37 (hg19) VCF-style: chr19-38997479-C-T.
Other names: c.8703C>T, p.Thr2901= (NM_001042723.2).
Identifiers: ClinVar variation 3346731 (VCV003346731.1).

ClinVar aggregate classification (germline): Likely benign (0 of 4 stars; one submission).

Conditions:
RYR1-related disorder. Also called: RYR1-related disorders; RYR1-related condition. Identifiers: MedGen CN239331.

gnomAD v4.1: 6 of 1,613,944 alleles (0.00037%); highest among the groups gnomAD compares: Admixed American, 0.0017%; no homozygotes.

Submission:

PreventionGenetics, part of Exact Sciences
Classification: Likely benign for RYR1-related condition. Last evaluated: 2024-08-23. Review status: no assertion criteria provided. Collection method: clinical testing. Allele origin: germline.
Comment: This variant is classified as likely benign based on ACMG/AMP sequence variant interpretation guidelines (Richards et al. 2015 PMID: 25741868, with internal and published modifications).